The following is an entry in ClinVar:

ClinVar aggregate classification (germline): Uncertain significance. Review status: criteria provided, multiple submitters, no conflicts (2 of 4 stars). 2 submissions from 2 submitters: Uncertain significance (2). Last evaluated 2024-04-10.

Conditions:
Breast-ovarian cancer, familial, susceptibility to, 4. Identifiers: Orphanet 145, MedGen C3280345, MONDO:0013669, OMIM 614291.

Allele frequency attached by ClinVar (database versions not stated): gnomAD exomes below 0.00001; ExAC 0.00001.
gnomAD v4.1: 1 of 1,614,094 alleles (0.000062%); highest among the groups gnomAD compares: East Asian, 0.0022%; no homozygotes.

Submissions (2):

Labcorp Genetics (formerly Invitae), Labcorp
Classification: Uncertain significance for Breast-ovarian cancer, familial, susceptibility to, 4. Last evaluated: 2024-04-10. Review status: criteria provided, single submitter. Criteria: Invitae Variant Classification Sherloc (09022015). Collection method: clinical testing. Allele origin: germline.
Comment: This sequence change replaces valine, which is neutral and non-polar, with methionine, which is neutral and non-polar, at codon 124 of the RAD51D protein (p.Val124Met). This variant is present in population databases (rs776581316, gnomAD 0.006%). This variant has not been reported in the literature in individuals affected with RAD51D-related conditions. ClinVar contains an entry for this variant (Variation ID: 1298699). Advanced modeling of protein sequence and biophysical properties (such as structural, functional, and spatial information, amino acid conservation, physicochemical variation, residue mobility, and thermodynamic stability) performed at Invitae indicates that this missense variant is not expected to disrupt RAD51D protein function with a negative predictive value of 80%. In summary, the available evidence is currently insufficient to determine the role of this variant in disease. Therefore, it has been classified as a Variant of Uncertain Significance.

CeGaT Center for Human Genetics Tuebingen
Classification: Uncertain significance. Last evaluated: 2021-07-01. Review status: criteria provided, single submitter. Criteria: CeGaT Center For Human Genetics Tuebingen Variant Classification Criteria Version 2. Collection method: clinical testing. Allele origin: germline. Affected: yes. Observed: 1 variant allele.

NM_002878.4(RAD51D):c.370G>A (p.Val124Met)

Genes: RAD51L3-RFFL (RAD51L3-RFFL readthrough; minus strand), RAD51D (RAD51 paralog D; minus strand). Cytogenetic location: 17q12.
Variant type: single nucleotide variant.
Coding change: c.370G>A on transcript NM_002878.4 (MANE Select); coding-DNA position 370, G replaced by A.
Protein change: p.Val124Met; replaces valine 124 with methionine.
Molecular consequence: missense variant. On other transcripts: non-coding transcript variant (1), intron variant (1).
Genome position (GRCh38, 1-based): chr17:35,107,098, C>T on the plus strand (G>A on the coding strand, the complement: RAD51D is on the minus strand). VCF-style: chr17-35107098-C-T. GRCh37 (hg19) VCF-style: chr17-33434117-C-T.
Other names: c.430G>A, p.Val144Met (NM_001142571.2); c.145-617G>A (NM_133629.3); short protein forms V124M, V144M.
Identifiers: ClinVar variation 1298699 (VCV001298699.39), dbSNP rs776581316, ClinGen allele CA8499486.
Genomic context (GRCh38, chr17:35,107,098, plus strand): 5'-AAGCTGTCAGCCCTCCATTGGAATCTACATATAGGACGTTTTGCTGCAGGCCATGGGCCA[C>T]ATTTGCTGCCATACAGAGACATACCTGGGGGTGGGGGCATTGGATGAACTTGACACTTCA-3'
Protein context (NP_002869.3, residues 114-134): TQVCLCMAAN[Val124Met]AHGLQQNVLY